The following is an entry in ClinVar:

ClinVar aggregate classification (germline): Benign/Likely benign. Review status: criteria provided, multiple submitters, no conflicts (2 of 4 stars). 2 submissions from 2 submitters: Benign (1); Likely benign (1). Last evaluated 2024-09-10.

Conditions:
Familial cancer of breast. Also called: hereditary breast carcinoma; BREAST CANCER, FAMILIAL; Hereditary breast cancer. Identifiers: Orphanet 227535, MedGen C0346153, MONDO:0016419, OMIM 114480. Disease mechanism: loss of function.
Fanconi anemia complementation group J. Also called: BRIP1-Related Fanconi Anemia. Identifiers: Orphanet 84, MedGen C1836860, MONDO:0012187, OMIM 609054.

Allele frequency attached by ClinVar (database versions not stated): gnomAD exomes below 0.00001.
gnomAD v4.1: 1 of 1,611,946 alleles (0.000062%); highest among the groups gnomAD compares: Non-Finnish European, 0.000085%; no homozygotes.

Submissions (2):

Myriad Genetics, Inc.
Classification: Benign for Familial cancer of breast. Last evaluated: 2024-09-10. Review status: criteria provided, single submitter. Criteria: Myriad Autosomal Dominant, Autosomal Recessive and X-Linked Classification Criteria (2023). Collection method: clinical testing. Allele origin: unknown.
Comment: This variant is considered benign. This variant is a silent/synonymous amino acid change and it is not expected to impact splicing.

Labcorp Genetics (formerly Invitae), Labcorp
Classification: Likely benign for Familial cancer of breast; Fanconi anemia complementation group J. Last evaluated: 2024-05-23. Review status: criteria provided, single submitter. Criteria: Invitae Variant Classification Sherloc (09022015). Collection method: clinical testing. Allele origin: germline.

NM_032043.3(BRIP1):c.3441T>C (p.Asn1147=)

Gene: BRIP1 (BRCA1 interacting DNA helicase 1; minus strand). Cytogenetic location: 17q23.2.
Variant type: single nucleotide variant.
Coding change: c.3441T>C on transcript NM_032043.3 (MANE Select); coding-DNA position 3441, T replaced by C.
Protein change: p.Asn1147=; no amino-acid change (asparagine 1147 retained).
Molecular consequence: synonymous variant.
Genome position (GRCh38, 1-based): chr17:61,683,605, A>G on the plus strand (T>C on the coding strand, the complement: BRIP1 is on the minus strand). VCF-style: chr17-61683605-A-G. GRCh37 (hg19) VCF-style: chr17-59760966-A-G.
Identifiers: ClinVar variation 2190494 (VCV002190494.5), dbSNP rs1603275034, ClinGen allele CA501335022.